The following is an entry in ClinVar:

NM_024422.6(DSC2):c.1239T>A (p.Asn413Lys)

Gene: DSC2 (desmocollin 2; minus strand). Cytogenetic location: 18q12.1.
Variant type: single nucleotide variant.
Coding change: c.1239T>A on transcript NM_024422.6 (MANE Select); coding-DNA position 1239, T replaced by A.
Protein change: p.Asn413Lys; replaces asparagine 413 with lysine.
Molecular consequence: missense variant.
Genome position (GRCh38, 1-based): chr18:31,082,262, A>T on the plus strand (T>A on the coding strand, the complement: DSC2 is on the minus strand). VCF-style: chr18-31082262-A-T. GRCh37 (hg19) VCF-style: chr18-28662228-A-T.
Other names: c.1239T>A, p.Asn413Lys (NM_004949.5); short protein forms N413K.
Identifiers: ClinVar variation 1305913 (VCV001305913.8), dbSNP rs765511398, ClinGen allele CA030393.

ClinVar aggregate classification (germline): Uncertain significance. Review status: criteria provided, multiple submitters, no conflicts (2 of 4 stars). 4 submissions from 4 submitters: Uncertain significance (4). Last evaluated 2024-08-13.

Conditions:
Familial isolated arrhythmogenic right ventricular dysplasia. Identifiers: Orphanet 217656, MedGen C4274968, MONDO:0016342.
Cardiomyopathy (CMYO). Also called: Cardiomyopathies. Identifiers: Orphanet 167848, MedGen C0878544, MONDO:0004994, HP:0001638. Inheritance: Various modes of inheritance.
Arrhythmogenic right ventricular dysplasia 11. Also called: Arrhythmogenic right ventricular dysplasia 11 with mild palmoplantar keratoderma and woolly hair; Arrhythmogenic Right Ventricular Dysplasia/Cardiomyopathy11; ARRHYTHMOGENIC RIGHT VENTRICULAR DYSPLASIA, FAMILIAL, 11. Identifiers: MedGen C1864850, MONDO:0012506, OMIM 610476.

Allele frequency attached by ClinVar (database versions not stated): ExAC 0.00001.
gnomAD v4.1: 1 of 1,613,476 alleles (0.000062%); highest among the groups gnomAD compares: Non-Finnish European, 0.000085%; no homozygotes.

Submissions (4):

All of Us Research Program, National Institutes of Health
Classification: Uncertain significance for Familial isolated arrhythmogenic right ventricular dysplasia. Last evaluated: 2024-08-13. Review status: criteria provided, single submitter. Criteria: ACMG Guidelines, 2015. Collection method: clinical testing. Allele origin: germline. Inheritance: Autosomal dominant inheritance. Observed: 1 variant allele, 1 heterozygote.
Comment: This missense variant replaces asparagine with lysine at codon 413 of the DSC2 protein. Computational prediction suggests that this variant may not impact protein structure and function (internally defined REVEL score threshold <= 0.5, PMID: 27666373). To our knowledge, functional studies have not been reported for this variant. This variant has not been reported in individuals affected with DSC2-related disorders in the literature. This variant has been identified in 1/31370 chromosomes in the general population by the Genome Aggregation Database (gnomAD). The available evidence is insufficient to determine the role of this variant in disease conclusively. Therefore, this variant is classified as a Variant of Uncertain Significance.

This study involves interpretation of variants in research participants for the purpose of population health screening. Participant phenotype was not available at the time of variant classification. Additional details can be found in publication PMID: 35346344, PMCID: PMC8962531

Color Diagnostics, LLC DBA Color Health
Classification: Uncertain significance for Cardiomyopathy. Last evaluated: 2024-07-23. Review status: criteria provided, single submitter. Criteria: ACMG Guidelines, 2015. Collection method: clinical testing. Allele origin: germline.
Comment: This missense variant replaces asparagine with lysine at codon 413 of the DSC2 protein. Computational prediction suggests that this variant may not impact protein structure and function (internally defined REVEL score threshold <= 0.5, PMID: 27666373). To our knowledge, functional studies have not been reported for this variant. This variant has not been reported in individuals affected with DSC2-related disorders in the literature. This variant has been identified in 1/31370 chromosomes in the general population by the Genome Aggregation Database (gnomAD). The available evidence is insufficient to determine the role of this variant in disease conclusively. Therefore, this variant is classified as a Variant of Uncertain Significance.

Labcorp Genetics (formerly Invitae), Labcorp
Classification: Uncertain significance for Arrhythmogenic right ventricular dysplasia 11. Last evaluated: 2023-01-10. Review status: criteria provided, single submitter. Criteria: Invitae Variant Classification Sherloc (09022015). Collection method: clinical testing. Allele origin: germline.
Comment: In summary, the available evidence is currently insufficient to determine the role of this variant in disease. Therefore, it has been classified as a Variant of Uncertain Significance. Advanced modeling of protein sequence and biophysical properties (such as structural, functional, and spatial information, amino acid conservation, physicochemical variation, residue mobility, and thermodynamic stability) performed at Invitae indicates that this missense variant is expected to disrupt DSC2 protein function. ClinVar contains an entry for this variant (Variation ID: 1305913). This variant has not been reported in the literature in individuals affected with DSC2-related conditions. This variant is present in population databases (rs765511398, gnomAD 0.002%). This sequence change replaces asparagine, which is neutral and polar, with lysine, which is basic and polar, at codon 413 of the DSC2 protein (p.Asn413Lys).

GeneDx
Classification: Uncertain significance. Last evaluated: 2019-05-16. Review status: criteria provided, single submitter. Criteria: GeneDx Variant Classification Process June 2021. Collection method: clinical testing. Allele origin: germline. Affected: yes.
Comment: Has not been previously published as pathogenic or benign to our knowledge; Not observed at a significant frequency in large population cohorts (Lek et al., 2016); In silico analysis, which includes protein predictors and evolutionary conservation, supports a deleterious effect